The following is an entry in ClinVar:

NM_000528.4(MAN2B1):c.1419G>A (p.Glu473=)

Genes: MAN2B1 (mannosidase alpha class 2B member 1; minus strand), LOC129391064 (MPRA-validated peak3365 silencer; plus strand). Cytogenetic location: 19p13.13.
Variant type: single nucleotide variant.
Coding change: c.1419G>A on transcript NM_000528.4 (MANE Select); coding-DNA position 1419, G replaced by A.
Protein change: p.Glu473=; no amino-acid change (glutamic acid 473 retained).
Molecular consequence: synonymous variant.
Genome position (GRCh38, 1-based): chr19:12,657,446, C>T on the plus strand (G>A on the coding strand, the complement: MAN2B1 is on the minus strand). VCF-style: chr19-12657446-C-T. GRCh37 (hg19) VCF-style: chr19-12768260-C-T.
Other names: c.1416G>A, p.Glu472= (NM_001173498.2).
Identifiers: ClinVar variation 2085679 (VCV002085679.2), dbSNP rs561829731, ClinGen allele CA305470703.

ClinVar aggregate classification (germline): Uncertain significance (1 of 4 stars; one submission).

Conditions:
Deficiency of alpha-mannosidase (MANSA). Also called: Mannosidosis, alpha-, types I and II; Alpha-Mannosidosis; LYSOSOMAL ALPHA-D-MANNOSIDASE DEFICIENCY. Identifiers: Orphanet 61, MedGen C0024748, MONDO:0009561, OMIM 248500.

Allele frequency attached by ClinVar (database versions not stated): TOPMed below 0.00001; gnomAD 0.00002; 1000 Genomes Project 30x 0.00031; 1000 Genomes Project 0.00040.
gnomAD v4.1: 4 of 1,550,340 alleles (0.00026%); highest among the groups gnomAD compares: Admixed American, 0.0059%; no homozygotes.

Submission:

Labcorp Genetics (formerly Invitae), Labcorp
Classification: Uncertain significance for Deficiency of alpha-mannosidase. Last evaluated: 2025-08-07. Review status: criteria provided, single submitter. Criteria: Invitae Variant Classification Sherloc (09022015). Collection method: clinical testing. Allele origin: germline.
Comment: This sequence change affects codon 473 of the MAN2B1 mRNA. It is a 'silent' change, meaning that it does not change the encoded amino acid sequence of the MAN2B1 protein. This variant also falls at the last nucleotide of exon 11, which is part of the consensus splice site for this exon. This variant is not present in population databases (gnomAD no frequency). This variant has not been reported in the literature in individuals affected with MAN2B1-related conditions. ClinVar contains an entry for this variant (Variation ID: 2085679). Variants that disrupt the consensus splice site are a relatively common cause of aberrant splicing (PMID: 17576681, 9536098). Algorithms developed to predict the effect of sequence changes on RNA splicing suggest that this variant may disrupt the consensus splice site. In summary, the available evidence is currently insufficient to determine the role of this variant in disease. Therefore, it has been classified as a Variant of Uncertain Significance.

Literature cited by the submitters: PubMed 17576681; PubMed 9536098.